The following is an entry in ClinVar:

ClinVar aggregate classification (germline): Uncertain significance (0 of 4 stars; one submission).

Conditions:
SH2B1-related disorder. Also called: SH2B1-related condition.

Submission:

PreventionGenetics, part of Exact Sciences
Classification: Uncertain significance for SH2B1-related condition. Last evaluated: 2024-03-26. Review status: no assertion criteria provided. Collection method: clinical testing. Allele origin: germline.
Comment: The SH2B1 c.1450_1451delinsGG variant is predicted to result in an in-frame deletion and insertion. To our knowledge, this variant has not been reported in the literature or in a large population database, indicating this variant is rare. Another variant affecting the same amino acid (c.1450A>G; p.Thr484Ala) has been reported to be associated with obesity (Willer et al 2009. PubMed ID: 19079261; Jamshidi Y et al 2007. PubMed ID: 17228025). However, functional studies have demonstrated no functional effect for this variant (Volckmar et al 2012. PubMed ID: 23270367; Pearce LR et al 2014. PubMed ID: 24971614). At this time, the clinical significance of the c.1450_1451delinsGG variant is uncertain due to the absence of conclusive functional and genetic evidence.

NM_001387430.1(SH2B1):c.1450_1451delinsGG (p.Thr484Gly)

Gene: SH2B1 (SH2B adaptor protein 1; plus strand). Cytogenetic location: 16p11.2.
Variant type: Indel.
Coding change: c.1450_1451delinsGG on transcript NM_001387430.1 (MANE Select); coding-DNA positions 1450 to 1451, AC replaced by GG.
Protein change: p.Thr484Gly; replaces threonine 484 with glycine.
Molecular consequence: missense variant.
Genome position (GRCh38, 1-based): chr16:28,871,920-28,871,921, AC replaced by GG. VCF-style: chr16-28871920-AC-GG. GRCh37 (hg19) VCF-style: chr16-28883241-AC-GG.
Other names: c.1450_1451delinsGG, p.Thr484Gly (NM_001145795.2, NM_001145796.2, NM_001145797.2 and 4 more transcripts); c.442_443delinsGG, p.Thr148Gly (NM_001308294.2); short protein forms T148G, T484G.
Identifiers: ClinVar variation 3350075 (VCV003350075.1).